The following is an entry in ClinVar:

ClinVar aggregate classification (germline): Pathogenic (1 of 4 stars; one submission).

Submission:

Labcorp Genetics (formerly Invitae), Labcorp
Classification: Pathogenic. Last evaluated: 2025-02-27. Review status: criteria provided, single submitter. Criteria: Invitae Variant Classification Sherloc (09022015). Collection method: clinical testing. Allele origin: germline.
Comment: This sequence change creates a premature translational stop signal (p.Tyr614*) in the TNFAIP3 gene. It is expected to result in an absent or disrupted protein product. Loss-of-function variants in TNFAIP3 are known to be pathogenic (PMID: 26642243). This variant is not present in population databases (gnomAD no frequency). This variant has not been reported in the literature in individuals affected with TNFAIP3-related conditions. For these reasons, this variant has been classified as Pathogenic.

Literature cited by the submitters: PubMed 26642243.

NM_001270508.2(TNFAIP3):c.1842T>A (p.Tyr614Ter)

Gene: TNFAIP3 (TNF alpha induced protein 3; plus strand). Cytogenetic location: 6q23.3.
Variant type: single nucleotide variant.
Coding change: c.1842T>A on transcript NM_001270508.2 (MANE Select); coding-DNA position 1842, T replaced by A.
Protein change: p.Tyr614Ter; replaces tyrosine 614 with a stop codon.
Molecular consequence: nonsense.
Genome position (GRCh38, 1-based): chr6:137,879,287, T>A. VCF-style: chr6-137879287-T-A. GRCh37 (hg19) VCF-style: chr6-138200424-T-A.
Other names: c.1842T>A, p.Tyr614Ter (NM_001270507.2, NM_006290.4); short protein forms Y614*.
Identifiers: ClinVar variation 4713981 (VCV004713981.1).
Genomic context (GRCh38, chr6:137,879,287, plus strand): 5'-TGCACGGACTCCTGGGGACAGGACGGGGACGAGCAAGTGCAGAAAAGCCGGCTGCGTGTA[T>A]TTTGGGACTCCAGAAAACAAGGGCTTTTGCACACTGTGTTTCATCGAGTACAGAGAAAAC-3'